The following is an entry in ClinVar:

ClinVar aggregate classification (germline): Likely benign (1 of 4 stars; one submission).

gnomAD v4.1: 1 of 1,613,064 alleles (0.000062%); highest among the groups gnomAD compares: South Asian, 0.0011%; no homozygotes.

Submission:

CeGaT Center for Human Genetics Tuebingen
Classification: Likely benign. Last evaluated: 2025-06-01. Review status: criteria provided, single submitter. Criteria: CeGaT Center For Human Genetics Tuebingen Variant Classification Criteria Version 2. Collection method: clinical testing. Allele origin: germline. Affected: yes. Observed: 1 variant allele.
Comment: MITF: BP4, BP7

NM_001354604.2(MITF):c.774G>T (p.Ser258=)

Gene: MITF (melanocyte inducing transcription factor; plus strand). Cytogenetic location: 3p13.
Variant type: single nucleotide variant.
Coding change: c.774G>T on transcript NM_001354604.2 (MANE Select); coding-DNA position 774, G replaced by T.
Protein change: p.Ser258=; no amino-acid change (serine 258 retained).
Molecular consequence: synonymous variant.
Genome position (GRCh38, 1-based): chr3:69,949,062, G>T. VCF-style: chr3-69949062-G-T. GRCh37 (hg19) VCF-style: chr3-69998213-G-T.
Other names: c.453G>T, p.Ser151= (NM_000248.4, NM_198158.3); c.618G>T, p.Ser206= (NM_001184967.2, NM_001354608.2); c.771G>T, p.Ser257= (NM_001354605.2, NM_001354606.2, NM_006722.3); c.723G>T, p.Ser241= (NM_001354607.2); c.774G>T, p.Ser258= (NM_198159.3); c.726G>T, p.Ser242= (NM_198177.3); c.285G>T, p.Ser95= (NM_198178.3).
Identifiers: ClinVar variation 4083979 (VCV004083979.8).